The following is an entry in ClinVar:

NM_019844.4(SLCO1B3):c.80T>G (p.Phe27Cys)

Genes: SLCO1B3 (solute carrier organic anion transporter family member 1B3; plus strand), SLCO1B3-SLCO1B7 (SLCO1B3-SLCO1B7 readthrough; plus strand). Cytogenetic location: 12p12.2.
Variant type: single nucleotide variant.
Coding change: c.80T>G on transcript NM_019844.4 (MANE Select); coding-DNA position 80, T replaced by G.
Protein change: p.Phe27Cys; replaces phenylalanine 27 with cysteine.
Molecular consequence: missense variant.
Genome position (GRCh38, 1-based): chr12:20,815,818, T>G. VCF-style: chr12-20815818-T-G. GRCh37 (hg19) VCF-style: chr12-20968752-T-G.
Other names: c.80T>G, p.Phe27Cys (NM_001371097.1); c.80T>G (NM_019844.3); short protein forms F27C.
Identifiers: ClinVar variation 3320349 (VCV003320349.2).

ClinVar aggregate classification (germline): Uncertain significance. Review status: criteria provided, multiple submitters, no conflicts (2 of 4 stars). 2 submissions from 2 submitters: Uncertain significance (2). Last evaluated 2025-12-10.

Conditions:
SLCO1B3-related disorder. Also called: SLCO1B3-related condition.

gnomAD v4.1: 254 of 1,579,904 alleles (0.016%); highest among the groups gnomAD compares: Non-Finnish European, 0.02%; no homozygotes.

Submissions (2):

PreventionGenetics, part of Exact Sciences
Classification: Uncertain significance for SLCO1B3-related condition. Last evaluated: 2025-12-10. Review status: criteria provided, single submitter. Criteria: ACMG Guidelines, 2015. Collection method: clinical testing. Allele origin: germline.
Comment: The SLCO1B3 c.80T>G variant is predicted to result in the amino acid substitution p.Phe27Cys. To our knowledge, this variant has not been reported in the literature. This variant is reported in 0.013% of alleles in individuals of European (Non-Finnish) descent in gnomAD. At this time, the clinical significance of this variant is uncertain due to the absence of conclusive functional and genetic evidence.

Ambry Genetics
Classification: Uncertain significance. Last evaluated: 2024-06-10. Review status: criteria provided, single submitter. Criteria: Ambry Variant Classification Scheme 2023. Collection method: clinical testing. Allele origin: germline.